The following is an entry in ClinVar:

ClinVar aggregate classification (germline): Uncertain significance. Review status: criteria provided, multiple submitters, no conflicts (2 of 4 stars). 2 submissions from 2 submitters: Uncertain significance (2). Last evaluated 2026-01-04.

Conditions:
Inborn genetic diseases. Identifiers: MedGen C0950123, MeSH D030342.

Allele frequency attached by ClinVar (database versions not stated): TOPMed 0.00011; 1000 Genomes Project 30x 0.00016; ExAC 0.00029.
gnomAD v4.1: 189 of 1,607,662 alleles (0.012%); highest among the groups gnomAD compares: South Asian, 0.043%; 1 homozygote.

Submissions (2):

Labcorp Genetics (formerly Invitae), Labcorp
Classification: Uncertain significance. Last evaluated: 2026-01-04. Review status: criteria provided, single submitter. Criteria: Invitae Variant Classification Sherloc (09022015). Collection method: clinical testing. Allele origin: germline.
Comment: This sequence change replaces valine, which is neutral and non-polar, with methionine, which is neutral and non-polar, at codon 98 of the CPAMD8 protein (p.Val98Met). This variant is present in population databases (rs199816113, gnomAD 0.05%). This variant has not been reported in the literature in individuals affected with CPAMD8-related conditions. ClinVar contains an entry for this variant (Variation ID: 2403359). An algorithm developed to predict the effect of missense changes on protein structure and function (PolyPhen-2) suggests that this variant is likely to be disruptive. In summary, the available evidence is currently insufficient to determine the role of this variant in disease. Therefore, it has been classified as a Variant of Uncertain Significance.

Ambry Genetics
Classification: Uncertain significance for Inborn genetic diseases. Last evaluated: 2021-10-05. Review status: criteria provided, single submitter. Criteria: Ambry Variant Classification Scheme 2023. Collection method: clinical testing. Allele origin: germline.

NM_015692.5(CPAMD8):c.151G>A (p.Val51Met)

Gene: CPAMD8 (C3 and PZP like alpha-2-macroglobulin domain containing 8; minus strand). Cytogenetic location: 19p13.11.
Variant type: single nucleotide variant.
Coding change: c.151G>A on transcript NM_015692.5 (MANE Select); coding-DNA position 151, G replaced by A.
Protein change: p.Val51Met; replaces valine 51 with methionine.
Molecular consequence: missense variant. On other transcripts: non-coding transcript variant (1).
Genome position (GRCh38, 1-based): chr19:17,022,123, C>T on the plus strand (G>A on the coding strand, the complement: CPAMD8 is on the minus strand). VCF-style: chr19-17022123-C-T. GRCh37 (hg19) VCF-style: chr19-17132933-C-T.
Other names: short protein forms V51M.
Identifiers: ClinVar variation 2403359 (VCV002403359.3), dbSNP rs199816113, ClinGen allele CA9286275.